The following is an entry in ClinVar:

ClinVar aggregate classification (germline): Uncertain significance (0 of 4 stars; one submission).

Conditions:
ROBO3-related disorder. Also called: ROBO3-related condition.

gnomAD v4.1: 23 of 1,610,588 alleles (0.0014%); highest among the groups gnomAD compares: Middle Eastern, 0.016%; no homozygotes.

Submission:

PreventionGenetics, part of Exact Sciences
Classification: Uncertain significance for ROBO3-related condition. Last evaluated: 2024-07-03. Review status: no assertion criteria provided. Collection method: clinical testing. Allele origin: germline.
Comment: The ROBO3 c.1616G>A variant is predicted to result in the amino acid substitution p.Arg539Gln. To our knowledge, this variant has not been reported in the literature. This variant is reported in 0.0043% of alleles in individuals of African descent in gnomAD. At this time, the clinical significance of this variant is uncertain due to the absence of conclusive functional and genetic evidence.

NM_022370.4(ROBO3):c.1616G>A (p.Arg539Gln)

Gene: ROBO3 (roundabout guidance receptor 3; plus strand). Cytogenetic location: 11q24.2.
Variant type: single nucleotide variant.
Coding change: c.1616G>A on transcript NM_022370.4 (MANE Select); coding-DNA position 1616, G replaced by A.
Protein change: p.Arg539Gln; replaces arginine 539 with glutamine.
Molecular consequence: missense variant.
Genome position (GRCh38, 1-based): chr11:124,873,389, G>A. VCF-style: chr11-124873389-G-A. GRCh37 (hg19) VCF-style: chr11-124743285-G-A.
Other names: short protein forms R539Q.
Identifiers: ClinVar variation 3352514 (VCV003352514.1).
Genomic context (GRCh38, chr11:124,873,389, plus strand): 5'-ACAGCTGCGTGGCCAAGAGTTCCACAGGGGAAGCCACATGGAGCGGCTGGCTTAAGATGC[G>A]GGGTGAGTTTTTTCTTTCTTCCCTTATTTTGATAATACCTTCCTCCAAACCTGCTTCAAC-3'
Protein context (NP_071765.2, residues 529-549): EATWSGWLKM[Arg539Gln]EDWGVSPDPP